The following is an entry in ClinVar:

NM_001253697.2(ERBIN):c.885A>G (p.Ile295Met)

Gene: ERBIN (erbb2 interacting protein; plus strand). Cytogenetic location: 5q12.3.
Variant type: single nucleotide variant.
Coding change: c.885A>G on transcript NM_001253697.2 (MANE Select); coding-DNA position 885, A replaced by G.
Protein change: p.Ile295Met; replaces isoleucine 295 with methionine.
Molecular consequence: missense variant.
Genome position (GRCh38, 1-based): chr5:66,025,547, A>G. VCF-style: chr5-66025547-A-G. GRCh37 (hg19) VCF-style: chr5-65321375-A-G.
Other names: c.885A>G, p.Ile295Met (NM_001006600.3, NM_001253698.2, NM_001253699.2 and 2 more transcripts); short protein forms I295M.
Identifiers: ClinVar variation 1519432 (VCV001519432.8), dbSNP rs774800199, ClinGen allele CA3286074.
Genomic context (GRCh38, chr5:66,025,547, plus strand): 5'-GAAGAATATAACAACGCTTAAAATAGATGAAAACCAGTTAATGTATCTGCCAGACTCTAT[A>G]GGAGGGTAAGTTTTTTGTGAATGTATACACCCTCGAAGATTTTACTTTCAGTTCAGCATG-3'
Protein context (NP_001240626.1, residues 285-305): ENQLMYLPDS[Ile295Met]GGLISVEELD

ClinVar aggregate classification (germline): Uncertain significance (1 of 4 stars; one submission).

Allele frequency attached by ClinVar (database versions not stated): gnomAD 0.00001; gnomAD exomes 0.00001; ExAC 0.00002; TOPMed 0.00002.
gnomAD v4.1: 3 of 1,610,716 alleles (0.00019%); highest among the groups gnomAD compares: African/African-American, 0.004%; no homozygotes.

Submission:

Labcorp Genetics (formerly Invitae), Labcorp
Classification: Uncertain significance. Last evaluated: 2022-04-17. Review status: criteria provided, single submitter. Criteria: Invitae Variant Classification Sherloc (09022015). Collection method: clinical testing. Allele origin: germline.
Comment: This variant is present in population databases (rs774800199, gnomAD 0.02%). This sequence change replaces isoleucine, which is neutral and non-polar, with methionine, which is neutral and non-polar, at codon 295 of the ERBIN protein (p.Ile295Met). This variant has not been reported in the literature in individuals affected with ERBIN-related conditions. Algorithms developed to predict the effect of missense changes on protein structure and function are either unavailable or do not agree on the potential impact of this missense change (SIFT: "Deleterious"; PolyPhen-2: "Possibly Damaging"; Align-GVGD: "Class C0"). In summary, the available evidence is currently insufficient to determine the role of this variant in disease. Therefore, it has been classified as a Variant of Uncertain Significance.